The following is an entry in ClinVar:

ClinVar aggregate classification (germline): Likely benign (1 of 4 stars; one submission).

gnomAD v4.1: 241 of 1,613,956 alleles (0.015%); highest among the groups gnomAD compares: Non-Finnish European, 0.019%; no homozygotes.

Submission:

CeGaT Center for Human Genetics Tuebingen
Classification: Likely benign. Last evaluated: 2025-03-01. Review status: criteria provided, single submitter. Criteria: CeGaT Center For Human Genetics Tuebingen Variant Classification Criteria Version 2. Collection method: clinical testing. Allele origin: germline. Affected: yes. Observed: 1 variant allele.
Comment: SHMT2: BP4, BP7

NM_005412.6(SHMT2):c.453C>T (p.Tyr151=)

Gene: SHMT2 (serine hydroxymethyltransferase 2; plus strand). Cytogenetic location: 12q13.3.
Variant type: single nucleotide variant.
Coding change: c.453C>T on transcript NM_005412.6 (MANE Select); coding-DNA position 453, C replaced by T.
Protein change: p.Tyr151=; no amino-acid change (tyrosine 151 retained).
Molecular consequence: synonymous variant. On other transcripts: non-coding transcript variant (4).
Genome position (GRCh38, 1-based): chr12:57,231,854, C>T. VCF-style: chr12-57231854-C-T. GRCh37 (hg19) VCF-style: chr12-57625637-C-T.
Other names: c.453C>T, p.Tyr151= (NM_001166356.2); c.390C>T, p.Tyr130= (NM_001166357.1, NM_001166358.2, NM_001166359.1).
Identifiers: ClinVar variation 3778010 (VCV003778010.7).
Genomic context (GRCh38, chr12:57,231,854, plus strand): 5'-TGCACAGTGGGGAGTCAATGTCCAGCCCTACTCCGGGTCCCCAGCCAACCTGGCCGTCTA[C>T]ACAGCCCTTCTGCAACCTCACGACCGGATCATGGGGCTGGACCTGCCCGATGGGGGCCAG-3'
Protein context (NP_005403.2, residues 141-161): YSGSPANLAV[Tyr151=]TALLQPHDRI